The following is an entry in ClinVar:

ClinVar aggregate classification (germline): Uncertain significance (1 of 4 stars; one submission).

Conditions:
Aicardi-Goutieres syndrome 5. Identifiers: Orphanet 51, MedGen C2749659, MONDO:0013059, OMIM 612952.

Submission:

Labcorp Genetics (formerly Invitae), Labcorp
Classification: Uncertain significance for Aicardi-Goutieres syndrome 5. Last evaluated: 2022-03-28. Review status: criteria provided, single submitter. Criteria: Invitae Variant Classification Sherloc (09022015). Collection method: clinical testing. Allele origin: germline.
Comment: This sequence change replaces alanine, which is neutral and non-polar, with threonine, which is neutral and polar, at codon 483 of the SAMHD1 protein (p.Ala483Thr). This variant is not present in population databases (gnomAD no frequency). This variant has not been reported in the literature in individuals affected with SAMHD1-related conditions. Algorithms developed to predict the effect of missense changes on protein structure and function output the following: SIFT: "Tolerated"; PolyPhen-2: "Benign"; Align-GVGD: "Class C0". The threonine amino acid residue is found in multiple mammalian species, which suggests that this missense change does not adversely affect protein function. In summary, the available evidence is currently insufficient to determine the role of this variant in disease. Therefore, it has been classified as a Variant of Uncertain Significance.

NM_015474.4(SAMHD1):c.1447G>A (p.Ala483Thr)

Gene: SAMHD1 (SAM and HD domain containing deoxynucleoside triphosphate triphosphohydrolase 1; minus strand). Cytogenetic location: 20q11.23.
Variant type: single nucleotide variant.
Coding change: c.1447G>A on transcript NM_015474.4 (MANE Select); coding-DNA position 1447, G replaced by A.
Protein change: p.Ala483Thr; replaces alanine 483 with threonine.
Molecular consequence: missense variant.
Genome position (GRCh38, 1-based): chr20:36,904,213, C>T on the plus strand (G>A on the coding strand, the complement: SAMHD1 is on the minus strand). VCF-style: chr20-36904213-C-T. GRCh37 (hg19) VCF-style: chr20-35532616-C-T.
Other names: c.1447G>A, p.Ala483Thr (NM_001363729.2, NM_001363733.2); short protein forms A483T.
Identifiers: ClinVar variation 1950065 (VCV001950065.2), dbSNP rs2515227315, ClinGen allele CA408841318.